The following is an entry in ClinVar:

NM_004655.4(AXIN2):c.2128C>T (p.Pro710Ser)

Gene: AXIN2 (axin 2; minus strand). Cytogenetic location: 17q24.1.
Variant type: single nucleotide variant.
Coding change: c.2128C>T on transcript NM_004655.4 (MANE Select); coding-DNA position 2128, C replaced by T.
Protein change: p.Pro710Ser; replaces proline 710 with serine.
Molecular consequence: missense variant.
Genome position (GRCh38, 1-based): chr17:65,536,333, G>A on the plus strand (C>T on the coding strand, the complement: AXIN2 is on the minus strand). VCF-style: chr17-65536333-G-A. GRCh37 (hg19) VCF-style: chr17-63532451-G-A.
Other names: c.2128C>T (LRG_296t1); c.1933C>T, p.Pro645Ser (NM_001363813.1); short protein forms P645S, P710S.
Identifiers: ClinVar variation 652562 (VCV000652562.12), dbSNP rs1598096578, ClinGen allele CA400675929.

ClinVar aggregate classification (germline): Uncertain significance. Review status: criteria provided, multiple submitters, no conflicts (2 of 4 stars). 2 submissions from 2 submitters: Uncertain significance (2). Last evaluated 2025-01-15.

Conditions:
Oligodontia-cancer predisposition syndrome. Also called: TOOTH AGENESIS-COLORECTAL CANCER SYNDROME. Identifiers: Orphanet 300576, MedGen C1837750, MONDO:0012075, OMIM 608615. Disease mechanism: loss of function.
Hereditary cancer-predisposing syndrome. Also called: Neoplastic Syndromes, Hereditary; Tumor predisposition; Hereditary Cancer Syndrome; Hereditary neoplastic syndrome. Identifiers: Orphanet 140162, MedGen C0027672, MeSH D009386, MONDO:0015356.

Submissions (2):

Labcorp Genetics (formerly Invitae), Labcorp
Classification: Uncertain significance for Oligodontia-cancer predisposition syndrome. Last evaluated: 2025-01-15. Review status: criteria provided, single submitter. Criteria: Invitae Variant Classification Sherloc (09022015). Collection method: clinical testing. Allele origin: germline.
Comment: This sequence change replaces proline, which is neutral and non-polar, with serine, which is neutral and polar, at codon 710 of the AXIN2 protein (p.Pro710Ser). This variant is not present in population databases (gnomAD no frequency). This variant has not been reported in the literature in individuals affected with AXIN2-related conditions. ClinVar contains an entry for this variant (Variation ID: 652562). Invitae Evidence Modeling of protein sequence and biophysical properties (such as structural, functional, and spatial information, amino acid conservation, physicochemical variation, residue mobility, and thermodynamic stability) indicates that this missense variant is not expected to disrupt AXIN2 protein function with a negative predictive value of 80%. In summary, the available evidence is currently insufficient to determine the role of this variant in disease. Therefore, it has been classified as a Variant of Uncertain Significance.

Ambry Genetics
Classification: Uncertain significance for Hereditary cancer-predisposing syndrome. Last evaluated: 2024-08-15. Review status: criteria provided, single submitter. Criteria: Ambry Variant Classification Scheme 2023. Collection method: clinical testing. Allele origin: germline.
Comment: The p.P710S variant (also known as c.2128C>T), located in coding exon 7 of the AXIN2 gene, results from a C to T substitution at nucleotide position 2128. The proline at codon 710 is replaced by serine, an amino acid with similar properties. This amino acid position is conserved. In addition, the in silico prediction for this alteration is inconclusive. Based on the available evidence, the clinical significance of this variant remains unclear.